The following is an entry in ClinVar:

ClinVar aggregate classification (germline): Uncertain significance. Review status: criteria provided, multiple submitters, no conflicts (2 of 4 stars). 2 submissions from 2 submitters: Uncertain significance (2). Last evaluated 2023-12-05.

Conditions:
Arrhythmogenic cardiomyopathy with wooly hair and keratoderma. Also called: PALMOPLANTAR KERATODERMA WITH LEFT VENTRICULAR CARDIOMYOPATHY AND WOOLLY HAIR; Carvajal syndrome; Dilated cardiomyopathy with woolly hair and keratoderma; Arrhythmogenic cardiomyopathy with woolly hair and keratoderma. Identifiers: Orphanet 65282, MedGen C1854063, MONDO:0011581, OMIM 605676.
Arrhythmogenic right ventricular dysplasia 8 (ARVD8). Also called: Arrhythmogenic Right Ventricular Dysplasia/Cardiomyopathy 8; ARRHYTHMOGENIC RIGHT VENTRICULAR DYSPLASIA, FAMILIAL, 8; ARRHYTHMOGENIC RIGHT VENTRICULAR CARDIOMYOPATHY 8. Identifiers: MedGen C1843896, MONDO:0011831, OMIM 607450.
Cardiomyopathy (CMYO). Also called: Cardiomyopathies. Identifiers: Orphanet 167848, MedGen C0878544, MONDO:0004994, HP:0001638. Inheritance: Various modes of inheritance.

Submissions (2):

Labcorp Genetics (formerly Invitae), Labcorp
Classification: Uncertain significance for Arrhythmogenic cardiomyopathy with wooly hair and keratoderma; Arrhythmogenic right ventricular dysplasia 8. Last evaluated: 2023-12-05. Review status: criteria provided, single submitter. Criteria: Invitae Variant Classification Sherloc (09022015). Collection method: clinical testing. Allele origin: germline.
Comment: This sequence change replaces valine, which is neutral and non-polar, with alanine, which is neutral and non-polar, at codon 2004 of the DSP protein (p.Val2004Ala). This variant is not present in population databases (gnomAD no frequency). This variant has not been reported in the literature in individuals affected with DSP-related conditions. ClinVar contains an entry for this variant (Variation ID: 918491). An algorithm developed to predict the effect of missense changes on protein structure and function (PolyPhen-2) suggests that this variant is likely to be tolerated. In summary, the available evidence is currently insufficient to determine the role of this variant in disease. Therefore, it has been classified as a Variant of Uncertain Significance.

Color Diagnostics, LLC DBA Color Health
Classification: Uncertain significance for Cardiomyopathy. Last evaluated: 2023-12-04. Review status: criteria provided, single submitter. Criteria: ACMG Guidelines, 2015. Collection method: clinical testing. Allele origin: germline.
Comment: This missense variant replaces valine with alanine at codon 2004 of the DSP protein. Computational prediction suggests that this variant may not impact protein structure and function (internally defined REVEL score threshold <= 0.5, PMID: 27666373). To our knowledge, functional studies have not been reported for this variant. This variant has not been reported in individuals affected with DSP-related disorders in the literature. This variant has not been identified in the general population by the Genome Aggregation Database (gnomAD). The available evidence is insufficient to determine the role of this variant in disease conclusively. Therefore, this variant is classified as a Variant of Uncertain Significance.

NM_004415.4(DSP):c.6011T>C (p.Val2004Ala)

Gene: DSP (desmoplakin; plus strand). Cytogenetic location: 6p24.3.
Variant type: single nucleotide variant.
Coding change: c.6011T>C on transcript NM_004415.4 (MANE Select); coding-DNA position 6011, T replaced by C.
Protein change: p.Val2004Ala; replaces valine 2004 with alanine.
Molecular consequence: missense variant.
Genome position (GRCh38, 1-based): chr6:7,583,273, T>C. VCF-style: chr6-7583273-T-C. GRCh37 (hg19) VCF-style: chr6-7583506-T-C.
Other names: c.4214T>C, p.Val1405Ala (NM_001008844.3); c.4682T>C, p.Val1561Ala (NM_001319034.2); short protein forms V1405A, V2004A, V1561A.
Identifiers: ClinVar variation 918491 (VCV000918491.7), dbSNP rs1759511205, ClinGen allele CA362689903.